The following is an entry in ClinVar:

ClinVar aggregate classification (germline): Uncertain significance. Review status: criteria provided, multiple submitters, no conflicts (2 of 4 stars). 2 submissions from 2 submitters: Uncertain significance (2). Last evaluated 2025-01-29.

Conditions:
Brugada syndrome. Also called: Sudden unexpected nocturnal death syndrome; Sudden Unexplained Nocturnal Death Syndrome (SUNDS); Sudden Unexplained Death Syndrome; Sudden unexplained nocturnal death syndrome. Identifiers: Orphanet 130, MedGen C1142166, MONDO:0015263.

Allele frequency attached by ClinVar (database versions not stated): gnomAD exomes 0.00001; TOPMed 0.00002; ExAC 0.00003; gnomAD 0.00004 and 0.00005; ESP Exome Variant Server 0.00015; 1000 Genomes Project 0.00020; 1000 Genomes Project 30x 0.00031.
gnomAD v4.1: 15 of 1,613,528 alleles (0.00093%); highest among the groups gnomAD compares: African/African-American, 0.02%; no homozygotes.

Submissions (2):

Labcorp Genetics (formerly Invitae), Labcorp
Classification: Uncertain significance for Brugada syndrome. Last evaluated: 2025-01-29. Review status: criteria provided, single submitter. Criteria: Invitae Variant Classification Sherloc (09022015). Collection method: clinical testing. Allele origin: germline.
Comment: This sequence change replaces alanine, which is neutral and non-polar, with serine, which is neutral and polar, at codon 472 of the SLMAP protein (p.Ala472Ser). This variant is present in population databases (rs76544609, gnomAD 0.02%). This variant has not been reported in the literature in individuals affected with SLMAP-related conditions. ClinVar contains an entry for this variant (Variation ID: 1009946). An algorithm developed to predict the effect of missense changes on protein structure and function outputs the following: PolyPhen-2: "Benign". The serine amino acid residue is found in multiple mammalian species, which suggests that this missense change does not adversely affect protein function. In summary, the available evidence is currently insufficient to determine the role of this variant in disease. Therefore, it has been classified as a Variant of Uncertain Significance.

Ambry Genetics
Classification: Uncertain significance. Last evaluated: 2023-03-02. Review status: criteria provided, single submitter. Criteria: Ambry Variant Classification Scheme 2023. Collection method: clinical testing. Allele origin: germline.

NM_001377540.1(SLMAP):c.1516G>T (p.Ala506Ser)

Gene: SLMAP (sarcolemma associated protein; plus strand). Cytogenetic location: 3p14.3.
Variant type: single nucleotide variant.
Coding change: c.1516G>T on transcript NM_001377540.1 (MANE Select); coding-DNA position 1516, G replaced by T.
Protein change: p.Ala506Ser; replaces alanine 506 with serine.
Molecular consequence: missense variant. On other transcripts: intron variant (12).
Genome position (GRCh38, 1-based): chr3:57,907,898, G>T. VCF-style: chr3-57907898-G-T. GRCh37 (hg19) VCF-style: chr3-57893625-G-T.
Other names: c.1414G>T (NM_007159.2); c.1465G>T, p.Ala489Ser (NM_001304420.3, NM_001377541.1, NM_001377542.1); c.1351G>T, p.Ala451Ser (NM_001304421.2, NM_001377557.1, NM_001377559.1); c.67G>T, p.Ala23Ser (NM_001304422.3, NM_001311178.2); c.1516G>T, p.Ala506Ser (NM_001377538.1, NM_001377539.1); c.1453G>T, p.Ala485Ser (NM_001377545.1); c.1414G>T, p.Ala472Ser (NM_001377549.1, NM_007159.5); c.1402G>T, p.Ala468Ser (NM_001377551.1, NM_001377552.1); and 8 more; short protein forms A23S, A451S, A468S, A472S, A485S, A489S, A506S.
Identifiers: ClinVar variation 1009946 (VCV001009946.7), dbSNP rs76544609, ClinGen allele CA2467177.